The following is an entry in ClinVar:

ClinVar aggregate classification (germline): Pathogenic (1 of 4 stars; one submission).

Submission:

Labcorp Genetics (formerly Invitae), Labcorp
Classification: Pathogenic. Last evaluated: 2024-12-02. Review status: criteria provided, single submitter. Criteria: Invitae Variant Classification Sherloc (09022015). Collection method: clinical testing. Allele origin: germline.
Comment: This sequence change replaces glutamic acid, which is acidic and polar, with lysine, which is basic and polar, at codon 98 of the BEST1 protein (p.Glu98Lys). This variant is not present in population databases (gnomAD no frequency). This missense change has been observed in individuals with clinical features of autosomal dominant BEST1-related conditions (PMID: 28791410; internal data). ClinVar contains an entry for this variant (Variation ID: 1059329). Invitae Evidence Modeling of protein sequence and biophysical properties (such as structural, functional, and spatial information, amino acid conservation, physicochemical variation, residue mobility, and thermodynamic stability) indicates that this missense variant is expected to disrupt BEST1 protein function with a positive predictive value of 95%. This variant disrupts the p.Glu98 amino acid residue in BEST1. Other variant(s) that disrupt this residue have been determined to be pathogenic (PMID: 28791410, 30880907; internal data). This suggests that this residue is clinically significant, and that variants that disrupt this residue are likely to be disease-causing. For these reasons, this variant has been classified as Pathogenic.

Literature cited by the submitters: PubMed 28791410; PubMed 30880907.

NM_004183.4(BEST1):c.292G>A (p.Glu98Lys)

Gene: BEST1 (bestrophin 1; plus strand). Cytogenetic location: 11q12.3.
Variant type: single nucleotide variant.
Coding change: c.292G>A on transcript NM_004183.4 (MANE Select); coding-DNA position 292, G replaced by A.
Protein change: p.Glu98Lys; replaces glutamic acid 98 with lysine.
Molecular consequence: missense variant. On other transcripts: non-coding transcript variant (1).
Genome position (GRCh38, 1-based): chr11:61,955,762, G>A. VCF-style: chr11-61955762-G-A. GRCh37 (hg19) VCF-style: chr11-61723234-G-A.
Other names: c.112G>A, p.Glu38Lys (NM_001139443.3, NM_001300786.2, NM_001300787.2); c.-27G>A (NM_001363591.3); c.292G>A, p.Glu98Lys (NM_001363592.2); c.-884G>A (NM_001363593.3); short protein forms E38K, E98K.
Identifiers: ClinVar variation 1059329 (VCV001059329.9), dbSNP rs2134430191, ClinGen allele CA380834114.
Genomic context (GRCh38, chr11:61,955,762, plus strand): 5'-CGCCCCTCCTGCCCAGGCTTCTACGTGACGCTGGTCGTGACCCGCTGGTGGAACCAGTAC[G>A]AGAACCTGCCGTGGCCCGACCGCCTCATGAGCCTGGTGTCGGGCTTCGTCGAAGGCAAGG-3'
Protein context (NP_004174.1, residues 88-108): LVVTRWWNQY[Glu98Lys]NLPWPDRLMS